The following is an entry in ClinVar:

ClinVar aggregate classification (germline): Likely benign. Review status: criteria provided, multiple submitters, no conflicts (2 of 4 stars). 2 submissions from 2 submitters: Likely benign (2). Last evaluated 2025-03-17.

Allele frequency attached by ClinVar (database versions not stated): gnomAD exomes 0.00003; gnomAD 0.00005; TOPMed 0.00006; ExAC 0.00007; 1000 Genomes Project 0.00060; 1000 Genomes Project 30x 0.00062.

Submissions (2):

Labcorp Genetics (formerly Invitae), Labcorp
Classification: Likely benign. Last evaluated: 2025-03-17. Review status: criteria provided, single submitter. Criteria: Invitae Variant Classification Sherloc (09022015). Collection method: clinical testing. Allele origin: germline.

CeGaT Center for Human Genetics Tuebingen
Classification: Likely benign. Last evaluated: 2025-03-01. Review status: criteria provided, single submitter. Criteria: CeGaT Center For Human Genetics Tuebingen Variant Classification Criteria Version 2. Collection method: clinical testing. Allele origin: germline. Affected: yes. Observed: 1 variant allele.
Comment: SON: BP4, BP7

NM_138927.4(SON):c.3060T>C (p.Tyr1020=)

Gene: SON (SON DNA and RNA binding protein; plus strand). Cytogenetic location: 21q22.11.
Variant type: single nucleotide variant.
Coding change: c.3060T>C on transcript NM_138927.4 (MANE Select); coding-DNA position 3060, T replaced by C.
Protein change: p.Tyr1020=; no amino-acid change (tyrosine 1020 retained).
Molecular consequence: synonymous variant. On other transcripts: non-coding transcript variant (1), intron variant (1).
Genome position (GRCh38, 1-based): chr21:33,552,291, T>C. VCF-style: chr21-33552291-T-C. GRCh37 (hg19) VCF-style: chr21-34924597-T-C.
Other names: c.3060T>C, p.Tyr1020= (NM_001291411.2, NM_001412133.1, NM_032195.3 and 2 more transcripts); c.245-4865T>C (NM_001291412.3).
Identifiers: ClinVar variation 3013111 (VCV003013111.10), dbSNP rs184131040, ClinGen allele CA10009205.